The following is an entry in ClinVar:

NM_080817.5(GPR82):c.554G>A (p.Ser185Asn)

Genes: CASK (calcium/calmodulin dependent serine protein kinase; minus strand), GPR82 (G protein-coupled receptor 82; plus strand). Cytogenetic location: Xp11.4.
Variant type: single nucleotide variant.
Coding change: c.554G>A on transcript NM_080817.5 (MANE Select); coding-DNA position 554, G replaced by A.
Protein change: p.Ser185Asn; replaces serine 185 with asparagine.
Molecular consequence: missense variant. On other transcripts: intron variant (5).
Genome position (GRCh38, 1-based): chrX:41,727,580, G>A. VCF-style: chrX-41727580-G-A. GRCh37 (hg19) VCF-style: chrX-41586833-G-A.
Other names: c.429+11804C>T (NM_001126055.3, NM_001410745.1, NM_001126054.3 and 2 more transcripts); short protein forms S185N.
Identifiers: ClinVar variation 377016 (VCV000377016.4), dbSNP rs146786893, ClinGen allele CA10390553.

ClinVar aggregate classification (germline): Likely benign. Review status: criteria provided, multiple submitters, no conflicts (2 of 4 stars). 2 submissions from 2 submitters: Likely benign (2). Last evaluated 2016-09-01.

Allele frequency attached by ClinVar (database versions not stated): gnomAD exomes 0.00104; ExAC 0.00145; gnomAD 0.00382 and 0.00408; 1000 Genomes Project 30x 0.00416; TOPMed 0.00436; 1000 Genomes Project 0.00477; ESP Exome Variant Server 0.00606.
gnomAD v4.1: 804 of 1,195,430 alleles (0.067%); highest among the groups gnomAD compares: African/African-American, 1.2%; 3 homozygotes.

Submissions (2):

Center for Pediatric Genomic Medicine, Children's Mercy Hospital and Clinics
Classification: Likely benign. Last evaluated: 2016-09-01. Review status: criteria provided, single submitter. Criteria: ACMG Guidelines, 2015. Collection method: clinical testing. Allele origin: germline.
ClinVar note: Converted during submission from Likely Benign to Likely benign.

Breakthrough Genomics
Classification: Likely benign. Review status: criteria provided, single submitter. Criteria: ACMG Guidelines, 2015. Collection method: not provided. Allele origin: germline. Inheritance: Unknown mechanism. Affected: yes.